The following is an entry in ClinVar:

NM_001018115.3(FANCD2):c.1827+1G>C

Genes: FANCD2 (FA complementation group D2; plus strand), LOC107303338 (3p25 FANCD2 Alu-mediated recombination region; plus strand). Cytogenetic location: 3p25.3.
Variant type: single nucleotide variant.
Coding change: c.1827+1G>C on transcript NM_001018115.3 (MANE Select); the canonical splice donor site of the intron after coding-DNA position 1827, G replaced by C.
Molecular consequence: splice donor variant.
Genome position (GRCh38, 1-based): chr3:10,062,212, G>C. VCF-style: chr3-10062212-G-C. GRCh37 (hg19) VCF-style: chr3-10103896-G-C.
Other names: c.1827+1G>C (NM_001319984.2, NM_033084.6, NM_001374254.1); c.1716+1G>C (NM_001374253.1).
Identifiers: ClinVar variation 1331388 (VCV001331388.1), dbSNP rs761074497, ClinGen allele CA2249812.

ClinVar aggregate classification (germline): Likely pathogenic (1 of 4 stars; one submission).

Conditions:
Fanconi anemia (FA). Also called: Fanconi's anemia. Identifiers: Orphanet 84, MedGen C0015625, MeSH D005199, MONDO:0019391.

Allele frequency attached by ClinVar (database versions not stated): ExAC 0.00001.

Submission:

Women's Health and Genetics/Laboratory Corporation of America, LabCorp
Classification: Likely pathogenic for Fanconi anemia. Last evaluated: 2021-12-10. Review status: criteria provided, single submitter. Criteria: LabCorp Variant Classification Summary - May 2015. Collection method: clinical testing. Allele origin: germline.
Comment: Variant summary: FANCD2 c.1827+1G>C is located in a canonical splice-site and is predicted to affect mRNA splicing resulting in a significantly altered protein due to either exon skipping, shortening, or inclusion of intronic material. Several computational tools predict a significant impact on normal splicing: Four predict the variant abolishes the canonical 5' splicing donor site. However, these predictions have yet to be confirmed by functional studies. The variant was absent in 250844 control chromosomes. To our knowledge, no occurrence of c.1827+1G>C in individuals affected with Fanconi Anemia and no experimental evidence demonstrating its impact on protein function have been reported. No clinical diagnostic laboratories have submitted clinical-significance assessments for this variant to ClinVar after 2014. Based on the evidence outlined above, the variant was classified as likely pathogenic.